The following is an entry in ClinVar:

ClinVar aggregate classification (germline): Benign. Review status: criteria provided, multiple submitters, no conflicts (2 of 4 stars). 3 submissions from 3 submitters: Benign (2). 1 of the submissions does not count toward it. Last evaluated 2019-12-31.

Conditions:
IARS1-related disorder. Also called: IARS1-related condition.

Allele frequency attached by ClinVar (database versions not stated): gnomAD exomes 0.00178; ExAC 0.00212; gnomAD 0.00650 and 0.00690; TOPMed 0.00730; ESP Exome Variant Server 0.00769; 1000 Genomes Project 0.00779; 1000 Genomes Project 30x 0.00781.
gnomAD v4.1: 2,004 of 1,613,852 alleles (0.12%); highest among the groups gnomAD compares: African/African-American, 2.2%; 25 homozygotes.

Submissions (3):

Labcorp Genetics (formerly Invitae), Labcorp
Classification: Benign. Last evaluated: 2019-12-31. Review status: criteria provided, single submitter. Criteria: Invitae Variant Classification Sherloc (09022015). Collection method: clinical testing. Allele origin: germline.

Breakthrough Genomics
Classification: Benign. Review status: criteria provided, single submitter. Criteria: ACMG Guidelines, 2015. Collection method: not provided. Allele origin: germline. Inheritance: Autosomal recessive inheritance. Affected: yes.

PreventionGenetics, part of Exact Sciences
Classification: Benign for IARS1-related condition. Last evaluated: 2022-11-29. Review status: no assertion criteria provided. Collection method: clinical testing. Allele origin: germline. Not counted in ClinVar's aggregate classification.
Comment: This variant is classified as benign based on ACMG/AMP sequence variant interpretation guidelines (Richards et al. 2015 PMID: 25741868, with internal and published modifications).

NM_002161.6(IARS1):c.951A>C (p.Glu317Asp)

Gene: IARS1 (isoleucyl-tRNA synthetase 1; minus strand). Cytogenetic location: 9q22.31.
Variant type: single nucleotide variant.
Coding change: c.951A>C on transcript NM_002161.6 (MANE Select); coding-DNA position 951, A replaced by C.
Protein change: p.Glu317Asp; replaces glutamic acid 317 with aspartic acid.
Molecular consequence: missense variant. On other transcripts: non-coding transcript variant (1).
Genome position (GRCh38, 1-based): chr9:92,274,465, T>G on the plus strand (A>C on the coding strand, the complement: IARS1 is on the minus strand). VCF-style: chr9-92274465-T-G. GRCh37 (hg19) VCF-style: chr9-95036747-T-G.
Other names: c.951A>C, p.Glu317Asp (NM_001374299.1, NM_001374300.1, NM_001374301.1 and 1 more transcripts); short protein forms E317D.
Identifiers: ClinVar variation 790071 (VCV000790071.7), dbSNP rs115825549, ClinGen allele CA5122793.